The following is an entry in ClinVar:

ClinVar aggregate classification (germline): Likely benign. Review status: criteria provided, multiple submitters, no conflicts (2 of 4 stars). 3 submissions from 3 submitters: Likely benign (3). Last evaluated 2026-04-30.

Conditions:
DENND5A-related disorder. Also called: DENND5A-related condition.

Allele frequency attached by ClinVar (database versions not stated): gnomAD 0.00001; gnomAD exomes 0.00001; TOPMed 0.00001.
gnomAD v4.1: 15 of 1,614,118 alleles (0.00093%); highest among the groups gnomAD compares: Non-Finnish European, 0.0012%; no homozygotes.

Submissions (3):

PreventionGenetics, part of Exact Sciences
Classification: Likely benign for DENND5A-related condition. Last evaluated: 2026-04-30. Review status: criteria provided, single submitter. Criteria: ACMG Guidelines, 2015. Collection method: clinical testing. Allele origin: germline.
Comment: This variant is classified as likely benign based on ACMG/AMP sequence variant interpretation guidelines (Richards et al. 2015 PMID: 25741868, with internal and published modifications).

CeGaT Center for Human Genetics Tuebingen
Classification: Likely benign. Last evaluated: 2025-04-01. Review status: criteria provided, single submitter. Criteria: CeGaT Center For Human Genetics Tuebingen Variant Classification Criteria Version 2. Collection method: clinical testing. Allele origin: germline. Affected: yes. Observed: 1 variant allele.
Comment: DENND5A: BP4, BP7

Labcorp Genetics (formerly Invitae), Labcorp
Classification: Likely benign. Last evaluated: 2022-09-10. Review status: criteria provided, single submitter. Criteria: Invitae Variant Classification Sherloc (09022015). Collection method: clinical testing. Allele origin: germline.

NM_015213.4(DENND5A):c.3777T>G (p.Leu1259=)

Gene: DENND5A (DENN domain containing 5A; minus strand). Cytogenetic location: 11p15.4.
Variant type: single nucleotide variant.
Coding change: c.3777T>G on transcript NM_015213.4 (MANE Select); coding-DNA position 3777, T replaced by G.
Protein change: p.Leu1259=; no amino-acid change (leucine 1259 retained).
Molecular consequence: synonymous variant. On other transcripts: 3 prime UTR variant (1), non-coding transcript variant (1).
Genome position (GRCh38, 1-based): chr11:9,139,758, A>C on the plus strand (T>G on the coding strand, the complement: DENND5A is on the minus strand). VCF-style: chr11-9139758-A-C. GRCh37 (hg19) VCF-style: chr11-9161305-A-C.
Other names: c.*17T>G (NM_001243254.2); c.3777T>G, p.Leu1259= (NM_001348748.1); c.3705T>G, p.Leu1235= (NM_001348749.2); c.3489T>G, p.Leu1163= (NM_001348750.2); c.3777T>G (NM_015213.3).
Identifiers: ClinVar variation 1900393 (VCV001900393.13), dbSNP rs976599160, ClinGen allele CA217535233.